The following is an entry in ClinVar:

NM_000051.4(ATM):c.4905_4909+16del

Gene: ATM (ATM serine/threonine kinase; plus strand). Cytogenetic location: 11q22.3.
Variant type: Deletion.
Coding change: c.4905_4909+16del on transcript NM_000051.4 (MANE Select); coding-DNA position 4905 through 16 bases into the intron after coding-DNA position 4909, 21 bases deleted (TCAGGGTGCTAATTTTAAATG).
Molecular consequence: splice donor variant.
Genome position (GRCh38, 1-based): chr11:108,295,055-108,295,075, TCAGGGTGCTAATTTTAAATG deleted. VCF-style (leftmost placement, unchanged base first): chr11-108295054-CTCAGGGTGCTAATTTTAAATG-C. GRCh37 (hg19) VCF-style: chr11-108165781-CTCAGGGTGCTAATTTTAAATG-C.
Other names: c.4905_4909+16del (NM_001351834.2).
Identifiers: ClinVar variation 1744006 (VCV001744006.2), dbSNP rs2546944337, ClinGen allele CA2580083459.

ClinVar aggregate classification (germline): Likely pathogenic (1 of 4 stars; one submission).

Conditions:
Hereditary cancer-predisposing syndrome. Also called: Hereditary Cancer Syndrome; Neoplastic Syndromes, Hereditary; Tumor predisposition; Hereditary neoplastic syndrome. Identifiers: Orphanet 140162, MedGen C0027672, MeSH D009386, MONDO:0015356.

Submission:

Ambry Genetics
Classification: Likely pathogenic for Hereditary cancer-predisposing syndrome. Last evaluated: 2020-10-09. Review status: criteria provided, single submitter. Criteria: Ambry Variant Classification Scheme 2023. Collection method: clinical testing. Allele origin: germline.
Comment: The c.4905_4909+16del21 variant results from a deletion of 21 nucleotides between positions 4905 and 4909+16 and involves the canonical splice donor site after coding exon 31 of the ATM gene. The canonical splice donor site is well conserved in available vertebrate species. In silico splice site analysis predicts that this alteration will weaken the native splice donor site; however, direct evidence is insufficient at this time (Ambry internal data). Alterations that disrupt the canonical splice site are expected to cause aberrant splicing, resulting in an abnormal protein or a transcript that is subject to nonsense-mediated mRNA decay. As such, this alteration is classified as likely pathogenic.